The following is an entry in ClinVar:

NM_000052.7(ATP7A):c.748A>G (p.Ile250Val)

Gene: ATP7A (ATPase copper transporting alpha; plus strand). Cytogenetic location: Xq21.1.
Variant type: single nucleotide variant.
Coding change: c.748A>G on transcript NM_000052.7 (MANE Select); coding-DNA position 748, A replaced by G.
Protein change: p.Ile250Val; replaces isoleucine 250 with valine.
Molecular consequence: missense variant.
Genome position (GRCh38, 1-based): chrX:77,989,370, A>G. VCF-style: chrX-77989370-A-G. GRCh37 (hg19) VCF-style: chrX-77244866-A-G.
Other names: c.748A>G, p.Ile250Val (NM_001282224.2); short protein forms I250V.
Identifiers: ClinVar variation 1458188 (VCV001458188.9), dbSNP rs1189996419, ClinGen allele CA413600734.

ClinVar aggregate classification (germline): Likely benign. Review status: criteria provided, multiple submitters, no conflicts (2 of 4 stars). 2 submissions from 2 submitters: Likely benign (2). Last evaluated 2026-07-01.

Conditions:
Menkes kinky-hair syndrome (MNK). Also called: Classic Menkes Disease; Copper transport disease; Menkes Disease. Identifiers: Orphanet 565, MedGen C0022716, MONDO:0010651, OMIM 309400.
X-linked distal spinal muscular atrophy type 3. Also called: ATP7A-Related Distal Motor Neuropathy; NEURONOPATHY, DISTAL HEREDITARY MOTOR, X-LINKED; NEUROPATHY, DISTAL HEREDITARY MOTOR, X-LINKED; SPINAL MUSCULAR ATROPHY, DISTAL, X-LINKED RECESSIVE. Identifiers: Orphanet 139557, MedGen C1845359, MONDO:0010338, OMIM 300489.
Cutis laxa, X-linked (OHS). Also called: Occipital horn syndrome; EDS IX. Identifiers: Orphanet 198, MedGen C0268353, MONDO:0010572, OMIM 304150.

Allele frequency attached by ClinVar (database versions not stated): gnomAD exomes 0.00001 and 0.00002; TOPMed 0.00002; gnomAD 0.00005 and 0.00006.
gnomAD v4.1: 9 of 1,209,725 alleles (0.00074%); highest among the groups gnomAD compares: Admixed American, 0.018%; no homozygotes.

Submissions (2):

CeGaT Center for Human Genetics Tuebingen
Classification: Likely benign. Last evaluated: 2026-07-01. Review status: criteria provided, single submitter. Criteria: CeGaT Center For Human Genetics Tuebingen Variant Classification Criteria Version 2. Collection method: clinical testing. Allele origin: germline. Affected: yes. Observed: 1 variant allele.
Comment: ATP7A: BS2

Labcorp Genetics (formerly Invitae), Labcorp
Classification: Likely benign for X-linked distal spinal muscular atrophy type 3; Cutis laxa, X-linked; Menkes kinky-hair syndrome. Last evaluated: 2025-07-15. Review status: criteria provided, single submitter. Criteria: Invitae Variant Classification Sherloc (09022015). Collection method: clinical testing. Allele origin: germline.